The following is an entry in ClinVar:

ClinVar aggregate classification (germline): Uncertain significance (1 of 4 stars; one submission).

Conditions:
Arrhythmogenic right ventricular dysplasia 11. Also called: ARRHYTHMOGENIC RIGHT VENTRICULAR DYSPLASIA, FAMILIAL, 11; Arrhythmogenic Right Ventricular Dysplasia/Cardiomyopathy11; Arrhythmogenic right ventricular dysplasia 11 with mild palmoplantar keratoderma and woolly hair. Identifiers: MedGen C1864850, MONDO:0012506, OMIM 610476.

Submission:

Labcorp Genetics (formerly Invitae), Labcorp
Classification: Uncertain significance for Arrhythmogenic right ventricular dysplasia 11. Last evaluated: 2025-12-24. Review status: criteria provided, single submitter. Criteria: Invitae Variant Classification Sherloc (09022015). Collection method: clinical testing. Allele origin: germline.
Comment: This sequence change replaces histidine, which is basic and polar, with asparagine, which is neutral and polar, at codon 115 of the DSC2 protein (p.His115Asn). This variant is not present in population databases (gnomAD no frequency). This variant has not been reported in the literature in individuals affected with DSC2-related conditions. Invitae Evidence Modeling of protein sequence and biophysical properties (such as structural, functional, and spatial information, amino acid conservation, physicochemical variation, residue mobility, and thermodynamic stability) indicates that this missense variant is not expected to disrupt DSC2 protein function with a negative predictive value of 80%. In summary, the available evidence is currently insufficient to determine the role of this variant in disease. Therefore, it has been classified as a Variant of Uncertain Significance.

NM_024422.6(DSC2):c.343C>A (p.His115Asn)

Gene: DSC2 (desmocollin 2; minus strand). Cytogenetic location: 18q12.1.
Variant type: single nucleotide variant.
Coding change: c.343C>A on transcript NM_024422.6 (MANE Select); coding-DNA position 343, C replaced by A.
Protein change: p.His115Asn; replaces histidine 115 with asparagine.
Molecular consequence: missense variant. On other transcripts: 5 prime UTR variant (2).
Genome position (GRCh38, 1-based): chr18:31,092,112, G>T on the plus strand (C>A on the coding strand, the complement: DSC2 is on the minus strand). VCF-style: chr18-31092112-G-T. GRCh37 (hg19) VCF-style: chr18-28672075-G-T.
Other names: c.-87C>A (NM_001406506.1, NM_001406507.1); c.343C>A, p.His115Asn (NM_004949.5); short protein forms H115N.
Identifiers: ClinVar variation 4740833 (VCV004740833.1).